The following is an entry in ClinVar:

ClinVar aggregate classification (germline): Uncertain significance (1 of 4 stars; one submission).

Conditions:
Intellectual developmental disorder with dysmorphic facies and ptosis (IDDDFP). Identifiers: Orphanet 698090, MedGen C4310617, MONDO:0015022, OMIM 617333.

Submission:

Baylor Genetics
Classification: Uncertain significance for Intellectual developmental disorder with dysmorphic facies and ptosis. Last evaluated: 2019-12-06. Review status: criteria provided, single submitter. Criteria: ACMG Guidelines, 2015. Collection method: clinical testing. Allele origin: unknown. Affected: yes.
Comment: This variant was determined to be of uncertain significance according to ACMG Guidelines, 2015 [PMID:25741868].

NM_001003694.2(BRPF1):c.2213C>G (p.Ala738Gly)

Gene: BRPF1 (bromodomain and PHD finger containing 1; plus strand). Cytogenetic location: 3p25.3.
Variant type: single nucleotide variant.
Coding change: c.2213C>G on transcript NM_001003694.2 (MANE Select); coding-DNA position 2213, C replaced by G.
Protein change: p.Ala738Gly; replaces alanine 738 with glycine.
Molecular consequence: missense variant. On other transcripts: non-coding transcript variant (1).
Genome position (GRCh38, 1-based): chr3:9,743,155, C>G. VCF-style: chr3-9743155-C-G. GRCh37 (hg19) VCF-style: chr3-9784839-C-G.
Other names: c.2195C>G, p.Ala732Gly (NM_001319049.2, NM_001319050.2, NM_004634.3); short protein forms A738G, A732G.
Identifiers: ClinVar variation 1028414 (VCV001028414.1), dbSNP rs2077060272, ClinGen allele CA351695914.
Genomic context (GRCh38, chr3:9,743,155, plus strand): 5'-CCATCTTCTACCGGGCAGCAGTGCGGCTTCGTGAGCAGGGTGGTGCTGTGCTCCGCCAGG[C>G]CCGGCGCCAGGCAGAAAAAATGGGCATTGACTTTGAGACGGGCATGCATATCCCCCACAG-3'
Protein context (NP_001003694.1, residues 728-748): REQGGAVLRQ[Ala738Gly]RRQAEKMGID